The following is an entry in ClinVar:

ClinVar aggregate classification (germline): Likely benign. Review status: criteria provided, multiple submitters, no conflicts (2 of 4 stars). 2 submissions from 2 submitters: Likely benign (2). Last evaluated 2025-07-29.

Conditions:
NPC1-related disorder. Also called: NPC1-related condition.
Niemann-Pick disease, type C1. Also called: NIEMANN-PICK DISEASE, VARIANT TYPE C1; NEUROVISCERAL STORAGE DISEASE WITH VERTICAL SUPRANUCLEAR OPHTHALMOPLEGIA; NIEMANN-PICK DISEASE WITH CHOLESTEROL ESTERIFICATION BLOCK; NIEMANN-PICK DISEASE WITHOUT SPHINGOMYELINASE DEFICIENCY; NIEMANN-PICK DISEASE, CHRONIC NEURONOPATHIC FORM. Identifiers: Orphanet 646, MedGen C3179455, MONDO:0009757, OMIM 257220.

Allele frequency attached by ClinVar (database versions not stated): gnomAD 0.00001; ExAC 0.00002; gnomAD exomes 0.00002; 1000 Genomes Project 30x 0.00031.
gnomAD v4.1: 9 of 1,613,660 alleles (0.00056%); highest among the groups gnomAD compares: South Asian, 0.0077%; no homozygotes.

Submissions (2):

PreventionGenetics, part of Exact Sciences
Classification: Likely benign for NPC1-related condition. Last evaluated: 2025-07-29. Review status: criteria provided, single submitter. Criteria: ACMG Guidelines, 2015. Collection method: clinical testing. Allele origin: germline.
Comment: This variant is classified as likely benign based on ACMG/AMP sequence variant interpretation guidelines (Richards et al. 2015 PMID: 25741868, with internal and published modifications).

Labcorp Genetics (formerly Invitae), Labcorp
Classification: Likely benign for Niemann-Pick disease, type C1. Last evaluated: 2019-11-22. Review status: criteria provided, single submitter. Criteria: Invitae Variant Classification Sherloc (09022015). Collection method: clinical testing. Allele origin: germline.

NM_000271.5(NPC1):c.306T>C (p.Tyr102=)

Gene: NPC1 (NPC intracellular cholesterol transporter 1; minus strand). Cytogenetic location: 18q11.2.
Variant type: single nucleotide variant.
Coding change: c.306T>C on transcript NM_000271.5 (MANE Select); coding-DNA position 306, T replaced by C.
Protein change: p.Tyr102=; no amino-acid change (tyrosine 102 retained).
Molecular consequence: synonymous variant.
Genome position (GRCh38, 1-based): chr18:23,568,980, A>G on the plus strand (T>C on the coding strand, the complement: NPC1 is on the minus strand). VCF-style: chr18-23568980-A-G. GRCh37 (hg19) VCF-style: chr18-21148944-A-G.
Other names: c.306T>C (NM_000271.4).
Identifiers: ClinVar variation 1107455 (VCV001107455.10), dbSNP rs751249367, ClinGen allele CA8913761.